The following is an entry in ClinVar:

ClinVar aggregate classification (germline): Benign/Likely benign. Review status: criteria provided, multiple submitters, no conflicts (2 of 4 stars). 3 submissions from 3 submitters: Benign (1); Likely benign (2). Last evaluated 2025-05-05.

Conditions:
POLD1-related polyposis and colorectal cancer syndrome (CRCS10). Also called: Colorectal cancer 10; COLORECTAL CANCER, SUSCEPTIBILITY TO, ON CHROMOSOME 19q; Colorectal cancer, susceptibility to, 10. Identifiers: Orphanet 220460, MedGen C2675481, MONDO:0012953, OMIM 612591.
Hereditary cancer-predisposing syndrome. Also called: Hereditary Cancer Syndrome; Hereditary neoplastic syndrome; Neoplastic Syndromes, Hereditary; Tumor predisposition. Identifiers: Orphanet 140162, MedGen C0027672, MeSH D009386, MONDO:0015356.

Submissions (3):

Labcorp Genetics (formerly Invitae), Labcorp
Classification: Likely benign for POLD1-related polyposis and colorectal cancer syndrome. Last evaluated: 2025-05-05. Review status: criteria provided, single submitter. Criteria: Invitae Variant Classification Sherloc (09022015). Collection method: clinical testing. Allele origin: germline.

Myriad Genetics, Inc.
Classification: Benign for POLD1-related polyposis and colorectal cancer syndrome. Last evaluated: 2025-02-06. Review status: criteria provided, single submitter. Criteria: Myriad Autosomal Dominant, Autosomal Recessive and X-Linked Classification Criteria (2023). Collection method: clinical testing. Allele origin: unknown.
Comment: This variant is considered benign. This variant is a silent/synonymous amino acid change and it is not expected to impact splicing.

Ambry Genetics
Classification: Likely benign for Hereditary cancer-predisposing syndrome. Last evaluated: 2021-04-25. Review status: criteria provided, single submitter. Criteria: Ambry Variant Classification Scheme 2023. Collection method: clinical testing. Allele origin: germline.

NM_002691.4(POLD1):c.1254C>T (p.Phe418=)

Gene: POLD1 (DNA polymerase delta 1, catalytic subunit; plus strand). Cytogenetic location: 19q13.33.
Variant type: single nucleotide variant.
Coding change: c.1254C>T on transcript NM_002691.4 (MANE Select); coding-DNA position 1254, C replaced by T.
Protein change: p.Phe418=; no amino-acid change (phenylalanine 418 retained).
Molecular consequence: synonymous variant. On other transcripts: non-coding transcript variant (1).
Genome position (GRCh38, 1-based): chr19:50,406,193, C>T. VCF-style: chr19-50406193-C-T. GRCh37 (hg19) VCF-style: chr19-50909450-C-T.
Other names: c.1254C>T, p.Phe418= (NM_001256849.1, NM_001308632.1).
Identifiers: ClinVar variation 1665740 (VCV001665740.11), dbSNP rs2038871423, ClinGen allele CA508304564.